The following is an entry in ClinVar:

ClinVar aggregate classification (germline): Uncertain significance. Review status: criteria provided, multiple submitters, no conflicts (2 of 4 stars). 3 submissions from 3 submitters: Uncertain significance (3). Last evaluated 2025-10-14.

Conditions:
Chronic kidney disease. Identifiers: MedGen C1561643, MONDO:0005300, HP:0012622.

Allele frequency attached by ClinVar (database versions not stated): gnomAD 0.00002; TOPMed 0.00002; gnomAD exomes 0.00005.
gnomAD v4.1: 74 of 1,525,568 alleles (0.0049%); highest among the groups gnomAD compares: Non-Finnish European, 0.0058%; 12 homozygotes.

Submissions (3):

Ambry Genetics
Classification: Uncertain significance. Last evaluated: 2025-10-14. Review status: criteria provided, single submitter. Criteria: Ambry Variant Classification Scheme 2023. Collection method: clinical testing. Allele origin: germline.

Mayo Clinic Laboratories, Mayo Clinic
Classification: Uncertain significance. Last evaluated: 2025-01-09. Review status: criteria provided, single submitter. Criteria: ACMG Guidelines, 2015. Collection method: clinical testing. Allele origin: germline. Observed: 1 variant allele.

Cavalleri Lab, Royal College of Surgeons in Ireland
Classification: Uncertain significance for Chronic kidney disease. Last evaluated: 2020-05-28. Review status: criteria provided, single submitter. Criteria: ACMG Guidelines, 2015. Collection method: research. Allele origin: unknown. Inheritance: Autosomal dominant inheritance. Affected: yes.
Comment: PM2, PP3

NM_002113.3(CFHR1):c.911A>G (p.Tyr304Cys)

Gene: CFHR1 (complement factor H related 1; plus strand). Cytogenetic location: 1q31.3.
Variant type: single nucleotide variant.
Coding change: c.911A>G on transcript NM_002113.3 (MANE Select); coding-DNA position 911, A replaced by G.
Protein change: p.Tyr304Cys; replaces tyrosine 304 with cysteine.
Molecular consequence: missense variant.
Genome position (GRCh38, 1-based): chr1:196,831,917, A>G. VCF-style: chr1-196831917-A-G. GRCh37 (hg19) VCF-style: chr1-196801047-A-G.
Other names: p.Tyr304Cys; c.860A>G, p.Tyr287Cys (NM_001379306.1); c.749A>G, p.Tyr250Cys (NM_001379307.1); c.746A>G, p.Tyr249Cys (NM_001379308.1); c.743A>G, p.Tyr248Cys (NM_001379309.1); c.716A>G, p.Tyr239Cys (NM_001379310.1); c.707A>G, p.Tyr236Cys (NM_001379311.1); c.668A>G, p.Tyr223Cys (NM_001379312.1); and 1 more; short protein forms Y304C, Y223C, Y236C, Y239C, Y248C, Y249C, Y250C, Y287C.
Identifiers: ClinVar variation 915865 (VCV000915865.4), dbSNP rs1376009483, ClinGen allele CA343992834.
Genomic context (GRCh38, chr1:196,831,917, plus strand): 5'-CCAAACAGAAGCTTTATTTGAGAACAGGTGAATCAGCTGAATTTGTGTGTAAACGGGGAT[A>G]TCGTCTTTCATCACGTTCTCACACATTGCGAACAACATGTTGGGATGGGAAACTGGAGTA-3'
Protein context (NP_002104.2, residues 294-314): ESAEFVCKRG[Tyr304Cys]RLSSRSHTLR